The following is an entry in ClinVar:

ClinVar aggregate classification (germline): Conflicting classifications of pathogenicity. Review status: criteria provided, conflicting classifications (1 of 4 stars). 2 submissions from 2 submitters: Likely pathogenic (1); Uncertain significance (1). Last evaluated 2023-11-08.

Conditions:
Spastic paraplegia. Identifiers: MedGen C0037772, HP:0001258.

Allele frequency attached by ClinVar (database versions not stated): TOPMed below 0.00001; gnomAD 0.00001; gnomAD exomes 0.00002.
gnomAD v4.1: 25 of 1,613,960 alleles (0.0015%); highest among the groups gnomAD compares: Non-Finnish European, 0.002%; no homozygotes.

Submissions (2):

Labcorp Genetics (formerly Invitae), Labcorp
Classification: Uncertain significance for Spastic paraplegia. Last evaluated: 2023-11-08. Review status: criteria provided, single submitter. Criteria: Invitae Variant Classification Sherloc (09022015). Collection method: clinical testing. Allele origin: germline.
Comment: This sequence change creates a premature translational stop signal (p.Cys105*) in the VAMP1 gene. While this is not anticipated to result in nonsense mediated decay, it is expected to disrupt the last 14 amino acid(s) of the VAMP1 protein. This variant is not present in population databases (gnomAD no frequency). This variant has not been reported in the literature in individuals affected with VAMP1-related conditions. ClinVar contains an entry for this variant (Variation ID: 1256198). Experimental studies and prediction algorithms are not available or were not evaluated, and the functional significance of this variant is currently unknown. In summary, the available evidence is currently insufficient to determine the role of this variant in disease. Therefore, it has been classified as a Variant of Uncertain Significance.

Athena Diagnostics
Classification: Likely pathogenic. Last evaluated: 2021-01-13. Review status: criteria provided, single submitter. Criteria: Athena Diagnostics criteria. Collection method: clinical testing. Allele origin: unknown.
Comment: This variant is expected to result in the loss of a functional protein. Transcripts containing this variant are likely to escape nonsense-mediated decay due to the proximity of the new stop codon to the natural 3'end. However, the variant is also predicted to result in the truncation of this protein's transmembrane domain, which is expected to be critical to its function (PMID: 10893260, 20571052, 26663078). Pathogenic variants in the VAMP1 gene is associated with autosomal recessive congenital myasthenic syndrome and autosomal dominant spastic ataxia. This variant has not been reported in large, multi-ethnic general populations.

NM_014231.5(VAMP1):c.315T>A (p.Cys105Ter)

Genes: TAPBPL (TAP binding protein like; plus strand), VAMP1 (vesicle associated membrane protein 1; minus strand). Cytogenetic location: 12p13.31.
Variant type: single nucleotide variant.
Coding change: c.315T>A on transcript NM_014231.5 (MANE Select); coding-DNA position 315, T replaced by A.
Protein change: p.Cys105Ter; replaces cysteine 105 with a stop codon.
Molecular consequence: nonsense. On other transcripts: non-coding transcript variant (1).
Genome position (GRCh38, 1-based): chr12:6,464,915, A>T on the plus strand (T>A on the coding strand, the complement: VAMP1 is on the minus strand). VCF-style: chr12-6464915-A-T. GRCh37 (hg19) VCF-style: chr12-6574081-A-T.
Other names: c.315T>A, p.Cys105Ter (NM_001297438.2, NM_016830.4, NM_199245.3); short protein forms C105*.
Identifiers: ClinVar variation 1256198 (VCV001256198.6), dbSNP rs1237437677, ClinGen allele CA383558714.